The following is an entry in ClinVar:

NM_003076.5(SMARCD1):c.298C>T (p.Arg100Cys)

Gene: SMARCD1 (SWI/SNF related BAF chromatin remodeling complex subunit D1; plus strand). Cytogenetic location: 12q13.12.
Variant type: single nucleotide variant.
Coding change: c.298C>T on transcript NM_003076.5 (MANE Select); coding-DNA position 298, C replaced by T.
Protein change: p.Arg100Cys; replaces arginine 100 with cysteine.
Molecular consequence: missense variant.
Genome position (GRCh38, 1-based): chr12:50,086,281, C>T. VCF-style: chr12-50086281-C-T. GRCh37 (hg19) VCF-style: chr12-50480064-C-T.
Other names: c.298C>T, p.Arg100Cys (NM_139071.3); short protein forms R100C.
Identifiers: ClinVar variation 3361833 (VCV003361833.1).

ClinVar aggregate classification (germline): Uncertain significance (1 of 4 stars; one submission).

gnomAD v4.1: 2 of 1,613,682 alleles (0.00012%); highest among the groups gnomAD compares: Non-Finnish European, 0.000085%; no homozygotes.

Submission:

GeneDx
Classification: Uncertain significance. Last evaluated: 2023-08-08. Review status: criteria provided, single submitter. Criteria: GeneDx Variant Classification Process June 2021. Collection method: clinical testing. Allele origin: germline. Affected: yes.
Comment: Not observed at significant frequency in large population cohorts (gnomAD); In silico analysis supports that this missense variant has a deleterious effect on protein structure/function; Has not been previously published as pathogenic or benign to our knowledge